The following is an entry in ClinVar:

ClinVar aggregate classification (germline): Uncertain significance. Review status: criteria provided, multiple submitters, no conflicts (2 of 4 stars). 7 submissions from 5 submitters: Uncertain significance (7). Last evaluated 2025-06-26.

Conditions:
Hypertrophic cardiomyopathy 2. Also called: TNNT2-Related Familial Hypertrophic Cardiomyopathy. Identifiers: MedGen C1861864, MONDO:0007266, OMIM 115195.
Cardiomyopathy, familial restrictive, 3. Identifiers: Orphanet 75249, MedGen C2676271, MONDO:0012900, OMIM 612422.
Dilated cardiomyopathy 1D. Identifiers: Orphanet 154, Orphanet 54260, MedGen C1832243, MONDO:0011095, OMIM 601494.
Cardiovascular phenotype. Identifiers: MedGen CN230736.
Cardiomyopathy (CMYO). Also called: Cardiomyopathies. Identifiers: Orphanet 167848, MedGen C0878544, MONDO:0004994, HP:0001638. Inheritance: Various modes of inheritance.

Submissions (7):

Color Diagnostics, LLC DBA Color Health
Classification: Uncertain significance for Cardiomyopathy. Last evaluated: 2025-06-26. Review status: criteria provided, single submitter. Criteria: ACMG Guidelines, 2015. Collection method: clinical testing. Allele origin: germline.
Comment: This missense variant replaces glutamic acid with lysine at codon 49 of the TNNT2 protein. Computational prediction suggests that this variant may not impact protein structure and function. To our knowledge, functional studies have not been reported for this variant. This variant has not been reported in individuals affected with TNNT2-related disorders in the literature. This variant has not been identified in the general population by the Genome Aggregation Database (gnomAD). The available evidence is insufficient to determine the role of this variant in disease conclusively. Therefore, this variant is classified as a Variant of Uncertain Significance.

Labcorp Genetics (formerly Invitae), Labcorp
Classification: Uncertain significance for Cardiomyopathy, familial restrictive, 3; Hypertrophic cardiomyopathy 2; Dilated cardiomyopathy 1D. Last evaluated: 2025-04-08. Review status: criteria provided, single submitter. Criteria: Invitae Variant Classification Sherloc (09022015). Collection method: clinical testing. Allele origin: germline.
Comment: This sequence change replaces glutamic acid, which is acidic and polar, with lysine, which is basic and polar, at codon 49 of the TNNT2 protein (p.Glu49Lys). This variant is not present in population databases (gnomAD no frequency). This missense change has been observed in individual(s) with clinical features of TNNT2-related conditions (PMID: 19412328, 28202948). ClinVar contains an entry for this variant (Variation ID: 626368). Invitae Evidence Modeling of protein sequence and biophysical properties (such as structural, functional, and spatial information, amino acid conservation, physicochemical variation, residue mobility, and thermodynamic stability) indicates that this missense variant is not expected to disrupt TNNT2 protein function with a negative predictive value of 80%. In summary, the available evidence is currently insufficient to determine the role of this variant in disease. Therefore, it has been classified as a Variant of Uncertain Significance.

Ambry Genetics
Classification: Uncertain significance for Cardiovascular phenotype. Last evaluated: 2024-01-22. Review status: criteria provided, single submitter. Criteria: Ambry Variant Classification Scheme 2023. Collection method: clinical testing. Allele origin: germline.
Comment: The p.E49K variant (also known as c.145G>A), located in coding exon 5 of the TNNT2 gene, results from a G to A substitution at nucleotide position 145. The glutamic acid at codon 49 is replaced by lysine, an amino acid with similar properties. This amino acid position is well conserved in available vertebrate species. In addition, the in silico prediction for this alteration is inconclusive. Based on the available evidence, the clinical significance of this alteration remains unclear.

Genome-Nilou Lab
Classification: Uncertain significance for Dilated cardiomyopathy 1D. Last evaluated: 2023-04-11. Review status: criteria provided, single submitter. Criteria: ACMG Guidelines, 2015. Collection method: clinical testing. Allele origin: germline. Affected: no.

Genome-Nilou Lab
Classification: Uncertain significance for Cardiomyopathy, familial restrictive, 3. Last evaluated: 2023-04-11. Review status: criteria provided, single submitter. Criteria: ACMG Guidelines, 2015. Collection method: clinical testing. Allele origin: germline. Affected: no.

Genome-Nilou Lab
Classification: Uncertain significance for Hypertrophic cardiomyopathy 2. Last evaluated: 2023-04-11. Review status: criteria provided, single submitter. Criteria: ACMG Guidelines, 2015. Collection method: clinical testing. Allele origin: germline. Affected: no.

CHEO Genetics Diagnostic Laboratory, Children's Hospital of Eastern Ontario
Classification: Uncertain significance for Cardiomyopathy. Last evaluated: 2016-08-30. Review status: criteria provided, single submitter. Criteria: ACMG Guidelines, 2015. Collection method: clinical testing. Allele origin: germline. Study: Canadian Open Genetics Repository.

Literature cited by the submitters: PubMed 19412328 (cited by Labcorp Genetics (formerly Invitae), Labcorp); PubMed 28202948 (cited by Labcorp Genetics (formerly Invitae), Labcorp).

NM_001276345.2(TNNT2):c.175G>A (p.Glu59Lys)

Gene: TNNT2 (troponin T2, cardiac type; minus strand). Cytogenetic location: 1q32.1.
Variant type: single nucleotide variant.
Coding change: c.175G>A on transcript NM_001276345.2 (MANE Select); coding-DNA position 175, G replaced by A.
Protein change: p.Glu59Lys; replaces glutamic acid 59 with lysine.
Molecular consequence: missense variant.
Genome position (GRCh38, 1-based): chr1:201,367,795, C>T on the plus strand (G>A on the coding strand, the complement: TNNT2 is on the minus strand). VCF-style: chr1-201367795-C-T. GRCh37 (hg19) VCF-style: chr1-201336923-C-T.
Other names: c.175G>A, p.Glu59Lys (NM_000364.4); c.145G>A, p.Glu49Lys (NM_001001430.3, NM_001001431.3, NM_001276347.2); c.130G>A, p.Glu44Lys (NM_001001432.3); c.172G>A, p.Glu58Lys (NM_001276346.2); short protein forms E49K, E59K, E44K, E58K.
Identifiers: ClinVar variation 626368 (VCV000626368.11), dbSNP rs568628521, ClinGen allele CA344207048.